The following is an entry in ClinVar:

ClinVar aggregate classification (germline): Uncertain significance (1 of 4 stars; one submission).

Conditions:
Catecholaminergic polymorphic ventricular tachycardia 1. Also called: VENTRICULAR TACHYCARDIA, CATECHOLAMINERGIC POLYMORPHIC, 1, WITH OR WITHOUT ATRIAL DYSFUNCTION AND/OR DILATED CARDIOMYOPATHY; VENTRICULAR TACHYCARDIA, STRESS-INDUCED POLYMORPHIC 1; RYR2-Related Catecholaminergic Polymorphic Ventricular Tachycardia. Identifiers: Orphanet 3286, MedGen C1631597, MONDO:0011484, OMIM 604772.

Submission:

Labcorp Genetics (formerly Invitae), Labcorp
Classification: Uncertain significance for Catecholaminergic polymorphic ventricular tachycardia 1. Last evaluated: 2022-08-23. Review status: criteria provided, single submitter. Criteria: Invitae Variant Classification Sherloc (09022015). Collection method: clinical testing. Allele origin: germline.
Comment: Algorithms developed to predict the effect of missense changes on protein structure and function (SIFT, PolyPhen-2, Align-GVGD) all suggest that this variant is likely to be disruptive. In summary, the available evidence is currently insufficient to determine the role of this variant in disease. Therefore, it has been classified as a Variant of Uncertain Significance. This sequence change replaces leucine, which is neutral and non-polar, with proline, which is neutral and non-polar, at codon 1821 of the RYR2 protein (p.Leu1821Pro). This variant is not present in population databases (gnomAD no frequency). This variant has not been reported in the literature in individuals affected with RYR2-related conditions.

NM_001035.3(RYR2):c.5462T>C (p.Leu1821Pro)

Gene: RYR2 (ryanodine receptor 2; plus strand). Cytogenetic location: 1q43.
Variant type: single nucleotide variant.
Coding change: c.5462T>C on transcript NM_001035.3 (MANE Select); coding-DNA position 5462, T replaced by C.
Protein change: p.Leu1821Pro; replaces leucine 1821 with proline.
Molecular consequence: missense variant.
Genome position (GRCh38, 1-based): chr1:237,614,590, T>C. VCF-style: chr1-237614590-T-C. GRCh37 (hg19) VCF-style: chr1-237777890-T-C.
Other names: short protein forms L1821P.
Identifiers: ClinVar variation 1717859 (VCV001717859.6), dbSNP rs2546795776, ClinGen allele CA345405076.